The following is an entry in ClinVar:

ClinVar aggregate classification (germline): Uncertain significance. Review status: criteria provided, multiple submitters, no conflicts (2 of 4 stars). 4 submissions from 4 submitters: Uncertain significance (4). Last evaluated 2026-09-24.

Allele frequency attached by ClinVar (database versions not stated): gnomAD exomes 0.00008 and 0.00017; gnomAD 0.00009; TOPMed 0.00009; ESP Exome Variant Server 0.00008; ExAC 0.00006.
gnomAD v4.1: 263 of 1,612,288 alleles (0.016%); highest among the groups gnomAD compares: Non-Finnish European, 0.02%; 1 homozygote.

Submissions (4):

GeneDx
Classification: Uncertain significance. Last evaluated: 2026-09-24. Review status: criteria provided, single submitter. Criteria: GeneDx Variant Classification Process June 2021. Collection method: clinical testing. Allele origin: germline.
Comment: Reported using alternative nomeclature and seen with another HSPG2 variant in unknown phase in an individual with Schwartz Jampel syndrome (PMID: 37931642); In silico analysis supports that this missense variant has a deleterious effect on protein structure/function; This variant is associated with the following publications: (PMID: 37931642)

Women's Health and Genetics/Laboratory Corporation of America, LabCorp
Classification: Uncertain significance. Last evaluated: 2025-10-03. Review status: criteria provided, single submitter. Criteria: LabCorp Variant Classification Summary - May 2015. Collection method: clinical testing. Allele origin: germline.
Comment: Variant summary: HSPG2 c.6602C>T (p.Ser2201Leu) results in a non-conservative amino acid change in the encoded protein sequence. Algorithms developed to predict the effect of missense changes on protein structure and function are either unavailable or do not agree on the potential impact of this missense change. The variant allele was found at a frequency of 7.7e-05 in 247390 control chromosomes. This frequency is not significantly higher than estimated for disease-causing variants in HSPG2, allowing no conclusion about variant significance. c.6602C>T has been observed in at least one individual affected with Schwartz Jampel Syndrome Type 1, without strong evidence of causality (example: Rajpal_2024). This report does not provide unequivocal conclusions about association of the variant with Schwartz Jampel Syndrome Type 1. To our knowledge, no experimental evidence demonstrating an impact on protein function has been reported. The following publication has been ascertained in the context of this evaluation (PMID: 37931642). ClinVar contains an entry for this variant (Variation ID: 447557). Based on the evidence outlined above, the variant was classified as uncertain significance.

Labcorp Genetics (formerly Invitae), Labcorp
Classification: Uncertain significance. Last evaluated: 2024-12-16. Review status: criteria provided, single submitter. Criteria: Invitae Variant Classification Sherloc (09022015). Collection method: clinical testing. Allele origin: germline.
Comment: This sequence change replaces serine, which is neutral and polar, with leucine, which is neutral and non-polar, at codon 2201 of the HSPG2 protein (p.Ser2201Leu). This variant is present in population databases (rs201562074, gnomAD 0.01%). This variant has not been reported in the literature in individuals affected with HSPG2-related conditions. ClinVar contains an entry for this variant (Variation ID: 447557). An algorithm developed to predict the effect of missense changes on protein structure and function (PolyPhen-2) suggests that this variant¬†is likely to be tolerated. In summary, the available evidence is currently insufficient to determine the role of this variant in disease. Therefore, it has been classified as a Variant of Uncertain Significance.

Athena Diagnostics
Classification: Uncertain significance. Last evaluated: 2017-05-19. Review status: criteria provided, single submitter. Criteria: Athena Diagnostics Criteria. Collection method: clinical testing. Allele origin: germline.

Literature cited by the submitters: PubMed 37931642 (cited by Women's Health and Genetics/Laboratory Corporation of America, LabCorp).

NM_005529.7(HSPG2):c.6602C>T (p.Ser2201Leu)

Genes: HSPG2 (heparan sulfate proteoglycan 2; minus strand), LOC126805655 (CDK7 strongly-dependent group 2 enhancer GRCh37_chr1:22178409-22179608; plus strand). Cytogenetic location: 1p36.12.
Variant type: single nucleotide variant.
Coding change: c.6602C>T on transcript NM_005529.7 (MANE Select); coding-DNA position 6602, C replaced by T.
Protein change: p.Ser2201Leu; replaces serine 2201 with leucine.
Molecular consequence: missense variant.
Genome position (GRCh38, 1-based): chr1:21,852,822, G>A on the plus strand (C>T on the coding strand, the complement: HSPG2 is on the minus strand). VCF-style: chr1-21852822-G-A. GRCh37 (hg19) VCF-style: chr1-22179315-G-A.
Other names: c.6605C>T, p.Ser2202Leu (NM_001291860.2); c.6602C>T (NM_005529.5); short protein forms S2201L, S2202L.
Identifiers: ClinVar variation 447557 (VCV000447557.9), dbSNP rs201562074, ClinGen allele CA671478.